The following is an entry in ClinVar:

ClinVar aggregate classification (germline): Uncertain significance. Review status: criteria provided, multiple submitters, no conflicts (2 of 4 stars). 5 submissions from 5 submitters: Uncertain significance (4). 1 of the submissions does not count toward it. Last evaluated 2025-04-28.

Conditions:
Retinal dystrophy. Also called: Inherited retinal dystrophy. Identifiers: Orphanet 71862, MedGen C0854723, MeSH D058499, MONDO:0019118, HP:0000556.
Retinitis pigmentosa 28 (RP28). Identifiers: Orphanet 791, MedGen C1419614, MONDO:0011630, OMIM 606068.
Inborn genetic diseases. Identifiers: MedGen C0950123, MeSH D030342.

Allele frequency attached by ClinVar (database versions not stated): ExAC 0.00001; gnomAD exomes 0.00001 and 0.00002; TOPMed 0.00004; gnomAD 0.00005; ESP Exome Variant Server 0.00017.
gnomAD v4.1: 35 of 1,608,926 alleles (0.0022%); highest among the groups gnomAD compares: Middle Eastern, 0.016%; no homozygotes.

Submissions (5):

Labcorp Genetics (formerly Invitae), Labcorp
Classification: Uncertain significance. Last evaluated: 2025-04-28. Review status: criteria provided, single submitter. Criteria: Invitae Variant Classification Sherloc (09022015). Collection method: clinical testing. Allele origin: germline.
Comment: This sequence change replaces arginine, which is basic and polar, with glutamine, which is neutral and polar, at codon 543 of the FAM161A protein (p.Arg543Gln). This variant is present in population databases (rs374748539, gnomAD 0.004%). This variant has not been reported in the literature in individuals affected with FAM161A-related conditions. ClinVar contains an entry for this variant (Variation ID: 948824). An algorithm developed to predict the effect of missense changes on protein structure and function (PolyPhen-2) suggests that this variant is likely to be disruptive. Algorithms developed to predict the effect of sequence changes on RNA splicing suggest that this variant may disrupt the consensus splice site. In summary, the available evidence is currently insufficient to determine the role of this variant in disease. Therefore, it has been classified as a Variant of Uncertain Significance.

Ambry Genetics
Classification: Uncertain significance for Inborn genetic diseases. Last evaluated: 2024-12-16. Review status: criteria provided, single submitter. Criteria: Ambry Variant Classification Scheme 2023. Collection method: clinical testing. Allele origin: germline.

Blueprint Genetics
Classification: Uncertain significance. Last evaluated: 2024-08-28. Review status: criteria provided, single submitter. Criteria: ACMG Guidelines, 2015. Collection method: clinical testing. Allele origin: germline.

Dept Of Ophthalmology, Nagoya University
Classification: Uncertain significance for Retinal dystrophy. Last evaluated: 2023-10-01. Review status: criteria provided, single submitter. Criteria: Submitter's publication. Collection method: research. Allele origin: germline. Affected: yes.

Natera, Inc.
Classification: Uncertain significance for Retinitis pigmentosa type 28. Last evaluated: 2020-01-24. Review status: no assertion criteria provided. Collection method: clinical testing. Allele origin: germline. Not counted in ClinVar's aggregate classification.

NM_001201543.2(FAM161A):c.1628G>A (p.Arg543Gln)

Gene: FAM161A (FAM161 centrosomal protein A; minus strand). Cytogenetic location: 2p15.
Variant type: single nucleotide variant.
Coding change: c.1628G>A on transcript NM_001201543.2 (MANE Select); coding-DNA position 1628, G replaced by A.
Protein change: p.Arg543Gln; replaces arginine 543 with glutamine.
Molecular consequence: missense variant. On other transcripts: intron variant (1).
Genome position (GRCh38, 1-based): chr2:61,838,661, C>T on the plus strand (G>A on the coding strand, the complement: FAM161A is on the minus strand). VCF-style: chr2-61838661-C-T. GRCh37 (hg19) VCF-style: chr2-62065796-C-T.
Other names: c.1583+760G>A (NM_032180.3); short protein forms R543Q.
Identifiers: ClinVar variation 948824 (VCV000948824.11), dbSNP rs374748539, ClinGen allele CA1679078.